The following is an entry in ClinVar:

ClinVar aggregate classification (germline): Uncertain significance. Review status: criteria provided, multiple submitters, no conflicts (2 of 4 stars). 2 submissions from 2 submitters: Uncertain significance (2). Last evaluated 2025-11-13.

Conditions:
Inborn genetic diseases. Identifiers: MedGen C0950123, MeSH D030342.

Submissions (2):

Ambry Genetics
Classification: Uncertain significance for Inborn genetic diseases. Last evaluated: 2025-11-13. Review status: criteria provided, single submitter. Criteria: Ambry Variant Classification Scheme 2023. Collection method: clinical testing. Allele origin: germline.

Labcorp Genetics (formerly Invitae), Labcorp
Classification: Uncertain significance. Last evaluated: 2024-12-18. Review status: criteria provided, single submitter. Criteria: Invitae Variant Classification Sherloc (09022015). Collection method: clinical testing. Allele origin: germline.
Comment: This sequence change replaces alanine, which is neutral and non-polar, with threonine, which is neutral and polar, at codon 610 of the CDH2 protein (p.Ala610Thr). This variant is not present in population databases (gnomAD no frequency). This variant has not been reported in the literature in individuals affected with CDH2-related conditions. An algorithm developed to predict the effect of missense changes on protein structure and function (PolyPhen-2) suggests that this variant is likely to be tolerated. In summary, the available evidence is currently insufficient to determine the role of this variant in disease. Therefore, it has been classified as a Variant of Uncertain Significance.

NM_001792.5(CDH2):c.1828G>A (p.Ala610Thr)

Gene: CDH2 (cadherin 2; minus strand). Cytogenetic location: 18q12.1.
Variant type: single nucleotide variant.
Coding change: c.1828G>A on transcript NM_001792.5 (MANE Select); coding-DNA position 1828, G replaced by A.
Protein change: p.Ala610Thr; replaces alanine 610 with threonine.
Molecular consequence: missense variant.
Genome position (GRCh38, 1-based): chr18:27,985,675, C>T on the plus strand (G>A on the coding strand, the complement: CDH2 is on the minus strand). VCF-style: chr18-27985675-C-T. GRCh37 (hg19) VCF-style: chr18-25565639-C-T.
Other names: c.1828G>A (NM_001792.3); c.1735G>A, p.Ala579Thr (NM_001308176.2); short protein forms A579T, A610T.
Identifiers: ClinVar variation 3697168 (VCV003697168.3).